The following is an entry in ClinVar:

NM_025114.4(CEP290):c.2052+1G>A

Gene: CEP290 (centrosomal protein 290; minus strand). Cytogenetic location: 12q21.32.
Variant type: single nucleotide variant.
Coding change: c.2052+1G>A on transcript NM_025114.4 (MANE Select); the canonical splice donor site of the intron after coding-DNA position 2052, G replaced by A.
Molecular consequence: splice donor variant.
Genome position (GRCh38, 1-based): chr12:88,114,419, C>T on the plus strand (G>A on the coding strand, the complement: CEP290 is on the minus strand). VCF-style: chr12-88114419-C-T. GRCh37 (hg19) VCF-style: chr12-88508196-C-T.
Other names: c.2052+1G>A (NM_025114.3).
Identifiers: ClinVar variation 2933822 (VCV002933822.7), dbSNP rs2038915208, ClinGen allele CA385976715.
Genomic context (GRCh38, chr12:88,114,419, plus strand): 5'-ACAGCAGAAAATCTCTCTAAAGTGATAGGGGAAAAACATTAACATGAAAAAAATAACTTA[C>T]ATTAACTAGTCTTTCAAGGCTAGGGATAATTAGAGATGTTTCTCCTCCTTTAACATCAGG-3'

ClinVar aggregate classification (germline): Pathogenic/Likely pathogenic. Review status: criteria provided, multiple submitters, no conflicts (2 of 4 stars). 5 submissions from 5 submitters: Pathogenic (1); Likely pathogenic (4). Last evaluated 2025-09-22.

Conditions:
CEP290-related disorder. Also called: CEP290-related condition; CEP290-related disorders. Identifiers: MedGen CN239314.
Joubert syndrome. Also called: Familial aplasia of the vermis; JOUBERT-BOLTSHAUSER SYNDROME. Identifiers: Orphanet 475, MedGen C5979921, MONDO:0018772.
Meckel-Gruber syndrome. Also called: DYSENCEPHALIA SPLANCHNOCYSTICA; Dysencephalia splachnocystica; GRUBER SYNDROME. Identifiers: Orphanet 564, MedGen C0265215, MONDO:0018921.
Nephronophthisis. Also called: Juvenile Nephronophthisis. Identifiers: Orphanet 655, MedGen C0687120, MONDO:0019005, HP:0000090.
Meckel syndrome, type 4 (MKS4). Also called: MECKEL-GRUBER SYNDROME, TYPE 4. Identifiers: Orphanet 564, MedGen C1970161, MONDO:0012626, OMIM 611134.
Joubert syndrome 5 (JBTS5). Identifiers: Orphanet 2318, MedGen C1857780, MONDO:0012432, OMIM 610188.
Bardet-Biedl syndrome 14 (BBS14). Identifiers: Orphanet 110, MedGen C2673874, MONDO:0014442, OMIM 615991.
Leber congenital amaurosis 10 (LCA10). Identifiers: Orphanet 65, MedGen C1857821, MONDO:0012723, OMIM 611755.
Senior-Loken syndrome 6 (SLSN6). Identifiers: Orphanet 3156, MedGen C1857779, MONDO:0012433, OMIM 610189.
Leber congenital amaurosis (LCA). Also called: Leber's amaurosis. Identifiers: Orphanet 65, MedGen C0339527, MeSH D057130, MONDO:0018998.

Submissions (5):

Natera, Inc.
Classification: Pathogenic for Leber congenital amaurosis. Last evaluated: 2025-09-22. Review status: criteria provided, single submitter. Criteria: Natera Variant Classification Schema (03/2026). Collection method: clinical testing. Allele origin: germline.
Comment: The c.2052+1G>A variant in CEP290 is a canonical splice donor site variant predicted to affect pre-mRNA splicing, which may result in an abnormal transcript and altered protein product. This variant is expected to result in nonsense mediated decay, truncation, or a dysfunctional protein product. This variant is rare in the general population with a frequency below the threshold expected for the associated phenotype(s). This variant has been observed in one or more individuals affected with the associated recessive disease, as either homozygous or compound heterozygous with a second variant (PMID: 36990420). Given the available evidence, this variant is classified as Pathogenic.

Fulgent Genetics
Classification: Likely pathogenic for Joubert syndrome 5; Senior-Loken syndrome 6; Meckel syndrome, type 4; Leber congenital amaurosis 10; Bardet-Biedl syndrome 14. Last evaluated: 2024-01-26. Review status: criteria provided, single submitter. Criteria: ACMG Guidelines, 2015. Collection method: clinical testing. Allele origin: germline.

Baylor Genetics
Classification: Likely pathogenic for Bardet-Biedl syndrome 14. Last evaluated: 2023-12-26. Review status: criteria provided, single submitter. Criteria: ACMG Guidelines, 2015. Collection method: clinical testing. Allele origin: unknown.

Labcorp Genetics (formerly Invitae), Labcorp
Classification: Likely pathogenic for Joubert syndrome; Meckel-Gruber syndrome; Nephronophthisis. Last evaluated: 2023-06-15. Review status: criteria provided, single submitter. Criteria: Invitae Variant Classification Sherloc (09022015). Collection method: clinical testing. Allele origin: germline.
Comment: In summary, the currently available evidence indicates that the variant is pathogenic, but additional data are needed to prove that conclusively. Therefore, this variant has been classified as Likely Pathogenic. Algorithms developed to predict the effect of sequence changes on RNA splicing suggest that this variant may disrupt the consensus splice site. This variant has not been reported in the literature in individuals affected with CEP290-related conditions. This variant is not present in population databases (gnomAD no frequency). This sequence change affects a donor splice site in intron 20 of the CEP290 gene. It is expected to disrupt RNA splicing. Variants that disrupt the donor or acceptor splice site typically lead to a loss of protein function (PMID: 16199547), and loss-of-function variants in CEP290 are known to be pathogenic (PMID: 16909394, 17345604, 20690115).

Blueprint Genetics
Classification: Likely pathogenic for CEP290-related disorders. Last evaluated: 2022-06-28. Review status: criteria provided, single submitter. Criteria: ACMG Guidelines, 2015. Collection method: clinical testing. Allele origin: germline. Affected: yes. Observed: 1 variant allele.

Literature cited by the submitters: PubMed 36990420 (cited by Natera, Inc.); PubMed 16199547 (cited by Labcorp Genetics (formerly Invitae), Labcorp); PubMed 16909394 (cited by Labcorp Genetics (formerly Invitae), Labcorp); PubMed 17345604 (cited by Labcorp Genetics (formerly Invitae), Labcorp); PubMed 20690115 (cited by Labcorp Genetics (formerly Invitae), Labcorp).